The following is an entry in ClinVar:

ClinVar aggregate classification (germline): Benign/Likely benign. Review status: criteria provided, multiple submitters, no conflicts (2 of 4 stars). 4 submissions from 4 submitters: Benign (1); Likely benign (3). Last evaluated 2025-10-23.

Conditions:
Intellectual developmental disorder, autosomal dominant 1. Also called: MBD5 Haploinsufficiency; Intellectual disability, autosomal dominant 1. Identifiers: Orphanet 228402, MedGen C1969562, MONDO:0007974, OMIM 156200.

Allele frequency attached by ClinVar (database versions not stated): gnomAD exomes 0.00002; ExAC 0.00002; ESP Exome Variant Server 0.00008; gnomAD 0.00005; TOPMed 0.00005.

Submissions (4):

Labcorp Genetics (formerly Invitae), Labcorp
Classification: Benign for Intellectual developmental disorder, autosomal dominant 1. Last evaluated: 2025-10-23. Review status: criteria provided, single submitter. Criteria: Invitae Variant Classification Sherloc (09022015). Collection method: clinical testing. Allele origin: germline.

Blueprint Genetics
Classification: Likely benign. Last evaluated: 2024-07-10. Review status: criteria provided, single submitter. Criteria: ACMG Guidelines, 2015. Collection method: clinical testing. Allele origin: germline.

GeneDx
Classification: Likely benign. Last evaluated: 2022-02-28. Review status: criteria provided, single submitter. Criteria: GeneDx Variant Classification Process June 2021. Collection method: clinical testing. Allele origin: germline. Affected: yes.
Comment: Missense variant in a gene in which most reported pathogenic variants are truncating/loss-of-function; In silico analysis supports that this missense variant does not alter protein structure/function; Has not been previously published as pathogenic or benign to our knowledge

Eurofins Ntd Llc (ga)
Classification: Likely benign. Last evaluated: 2014-01-14. Review status: criteria provided, single submitter. Criteria: EGL Classification Definitions 2015. Collection method: clinical testing. Allele origin: germline. Observed: 2 variant alleles, 2 heterozygotes.

NM_001378120.1(MBD5):c.2314A>C (p.Asn772His)

Gene: MBD5 (methyl-CpG binding domain protein 5; plus strand). Cytogenetic location: 2q23.1.
Variant type: single nucleotide variant.
Coding change: c.2314A>C on transcript NM_001378120.1 (MANE Select); coding-DNA position 2314, A replaced by C.
Protein change: p.Asn772His; replaces asparagine 772 with histidine.
Molecular consequence: missense variant.
Genome position (GRCh38, 1-based): chr2:148,470,257, A>C. VCF-style: chr2-148470257-A-C. GRCh37 (hg19) VCF-style: chr2-149227826-A-C.
Other names: p.N772H:AAC>CAC; c.2314A>C, p.Asn772His (NM_018328.5); short protein forms N772H.
Identifiers: ClinVar variation 167263 (VCV000167263.19), dbSNP rs200151142, ClinGen allele CA295622.